The following is an entry in ClinVar:

NM_001004127.3(ALG11):c.13G>T (p.Glu5Ter)

Genes: ALG11 (ALG11 alpha-1,2-mannosyltransferase; plus strand), LOC130009841 (ATAC-STARR-seq lymphoblastoid active region 7785; plus strand). Cytogenetic location: 13q14.3.
Variant type: single nucleotide variant.
Coding change: c.13G>T on transcript NM_001004127.3 (MANE Select); coding-DNA position 13, G replaced by T.
Protein change: p.Glu5Ter; replaces glutamic acid 5 with a stop codon.
Molecular consequence: nonsense. On other transcripts: non-coding transcript variant (1).
Genome position (GRCh38, 1-based): chr13:52,012,431, G>T. VCF-style: chr13-52012431-G-T. GRCh37 (hg19) VCF-style: chr13-52586567-G-T.
Other names: short protein forms E5*.
Identifiers: ClinVar variation 4855639 (VCV004855639.1).

ClinVar aggregate classification (germline): Likely pathogenic (1 of 4 stars; one submission).

Conditions:
ALG11-congenital disorder of glycosylation. Also called: CONGENITAL DISORDER OF GLYCOSYLATION, TYPE Ip; ALG11-CDG. Identifiers: Orphanet 280071, MedGen C3150913, MONDO:0013349, OMIM 613661.

gnomAD v4.1: 1 of 1,614,184 alleles (0.000062%); no homozygotes.

Submission:

3billion
Classification: Likely pathogenic for ALG11-congenital disorder of glycosylation. Last evaluated: 2025-06-27. Review status: criteria provided, single submitter. Criteria: ACMG Guidelines, 2015. Collection method: clinical testing. Allele origin: germline. Affected: yes.
Comment: The variant is observed at an extremely low frequency in the gnomAD v4.1.0 dataset (total allele frequency: <0.001%). Predicted Consequence/Location: Stop-gained (nonsense): predicted to result in a loss or disruption of normal protein function through nonsense-mediated decay (NMD) or protein truncation. Multiple pathogenic variants are reported downstream of the variant. Therefore, this variant is classified as Likely pathogenic according to the recommendation of ACMG/AMP guideline.